The following is an entry in ClinVar:

NM_001041.4(SI):c.4001T>G (p.Val1334Gly)

Gene: SI (sucrase-isomaltase; minus strand). Cytogenetic location: 3q26.1.
Variant type: single nucleotide variant.
Coding change: c.4001T>G on transcript NM_001041.4 (MANE Select); coding-DNA position 4001, T replaced by G.
Protein change: p.Val1334Gly; replaces valine 1334 with glycine.
Molecular consequence: missense variant.
Genome position (GRCh38, 1-based): chr3:165,013,041, A>C on the plus strand (T>G on the coding strand, the complement: SI is on the minus strand). VCF-style: chr3-165013041-A-C. GRCh37 (hg19) VCF-style: chr3-164730829-A-C.
Other names: short protein forms V1334G.
Identifiers: ClinVar variation 2103636 (VCV002103636.2), dbSNP rs778216480, ClinGen allele CA2690056.

ClinVar aggregate classification (germline): Uncertain significance (1 of 4 stars; one submission).

Allele frequency attached by ClinVar (database versions not stated): TOPMed below 0.00001; ExAC 0.00001; gnomAD 0.00001; gnomAD exomes 0.00002.
gnomAD v4.1: 24 of 1,599,194 alleles (0.0015%); highest among the groups gnomAD compares: Non-Finnish European, 0.002%; no homozygotes.

Submission:

Labcorp Genetics (formerly Invitae), Labcorp
Classification: Uncertain significance. Last evaluated: 2022-05-24. Review status: criteria provided, single submitter. Criteria: Invitae Variant Classification Sherloc (09022015). Collection method: clinical testing. Allele origin: germline.
Comment: In summary, the available evidence is currently insufficient to determine the role of this variant in disease. Therefore, it has been classified as a Variant of Uncertain Significance. Algorithms developed to predict the effect of missense changes on protein structure and function are either unavailable or do not agree on the potential impact of this missense change (SIFT: "Deleterious"; PolyPhen-2: "Probably Damaging"; Align-GVGD: "Class C0"). This variant has not been reported in the literature in individuals affected with SI-related conditions. This variant is present in population databases (rs778216480, gnomAD 0.0009%). This sequence change replaces valine, which is neutral and non-polar, with glycine, which is neutral and non-polar, at codon 1334 of the SI protein (p.Val1334Gly).